The following is an entry in ClinVar:

NM_012186.3(FOXE3):c.304A>T (p.Thr102Ser)

Genes: FOXE3 (forkhead box E3; plus strand), LINC01389 (long intergenic non-protein coding RNA 1389; minus strand). Cytogenetic location: 1p33.
Variant type: single nucleotide variant.
Coding change: c.304A>T on transcript NM_012186.3 (MANE Select); coding-DNA position 304, A replaced by T.
Protein change: p.Thr102Ser; replaces threonine 102 with serine.
Molecular consequence: missense variant.
Genome position (GRCh38, 1-based): chr1:47,416,619, A>T. VCF-style: chr1-47416619-A-T. GRCh37 (hg19) VCF-style: chr1-47882291-A-T.
Other names: short protein forms T102S.
Identifiers: ClinVar variation 3226208 (VCV003226208.1), dbSNP rs761097774, ClinGen allele CA340249475.

ClinVar aggregate classification (germline): Uncertain significance (1 of 4 stars; one submission).

Conditions:
Cardiovascular phenotype. Identifiers: MedGen CN230736.

Submission:

Ambry Genetics
Classification: Uncertain significance for Cardiovascular phenotype. Last evaluated: 2023-10-29. Review status: criteria provided, single submitter. Criteria: Ambry Variant Classification Scheme 2023. Collection method: clinical testing. Allele origin: germline.
Comment: The p.T102S variant (also known as c.304A>T), located in coding exon 1 of the FOXE3 gene, results from an A to T substitution at nucleotide position 304. The threonine at codon 102 is replaced by serine, an amino acid with similar properties. This amino acid position is conserved. In addition, the in silico prediction for this alteration is inconclusive. Since supporting evidence is limited at this time, the clinical significance of this alteration remains unclear.